The following is an entry in ClinVar:

NM_000548.5(TSC2):c.3050dup (p.Asn1017fs)

Gene: TSC2 (TSC complex subunit 2; plus strand). Cytogenetic location: 16p13.3.
Variant type: Duplication.
Coding change: c.3050dup on transcript NM_000548.5 (MANE Select); coding-DNA position 3050, one base duplicated (A; older notation c.3050dupA).
Protein change: p.Asn1017fs; shifts the reading frame from asparagine 1017.
Molecular consequence: frameshift variant. On other transcripts: non-coding transcript variant (5).
Genome position (GRCh38, 1-based): chr16:2,079,115, A duplicated; the last of 5 consecutive A bases (chr16:2,079,111-2,079,115); duplicating any one gives the same sequence. VCF-style (leftmost placement, unchanged base first): chr16-2079110-G-GA. GRCh37 (hg19) VCF-style: chr16-2129111-G-GA.
Other names: c.2918dup, p.Asn973fs (NM_001077183.3, NM_001370404.1, NM_001406665.1); c.3050dup, p.Asn1017fs (NM_001114382.3); c.2810dup, p.Asn937fs (NM_001318827.2); c.2774dup, p.Asn925fs (NM_001318829.2); c.2318dup, p.Asn773fs (NM_001318831.2, NM_001406687.1, NM_001406688.1); c.2951dup, p.Asn984fs (NM_001318832.2); c.2921dup, p.Asn974fs (NM_001363528.2, NM_001370405.1, NM_021055.3); c.3047dup, p.Asn1016fs (NM_001406663.1, NM_001406664.1); and 18 more; short protein forms N1016fs, N526fs, N774fs, N936fs, N937fs, N968fs, N973fs, N974fs.
Identifiers: ClinVar variation 4728903 (VCV004728903.1).

ClinVar aggregate classification (germline): Pathogenic (1 of 4 stars; one submission).

Conditions:
Tuberous sclerosis 2 (TSC2). Identifiers: Orphanet 805, MedGen C1860707, MONDO:0013199, OMIM 613254.

Submission:

Labcorp Genetics (formerly Invitae), Labcorp
Classification: Pathogenic for Tuberous sclerosis 2. Last evaluated: 2025-10-10. Review status: criteria provided, single submitter. Criteria: Invitae Variant Classification Sherloc (09022015). Collection method: clinical testing. Allele origin: germline.
Comment: This sequence change creates a premature translational stop signal (p.Asn1017Lysfs*151) in the TSC2 gene. It is expected to result in an absent or disrupted protein product. Loss-of-function variants in TSC2 are known to be pathogenic (PMID: 10205261, 17304050). This variant is not present in population databases (gnomAD no frequency). This variant has not been reported in the literature in individuals affected with TSC2-related conditions. For these reasons, this variant has been classified as Pathogenic.

Literature cited by the submitters: PubMed 10205261; PubMed 17304050.